The following is an entry in ClinVar:

ClinVar aggregate classification (germline): Uncertain significance. Review status: criteria provided, multiple submitters, no conflicts (2 of 4 stars). 2 submissions from 2 submitters: Uncertain significance (2). Last evaluated 2022-02-25.

Conditions:
Hereditary cancer-predisposing syndrome. Also called: Neoplastic Syndromes, Hereditary; Tumor predisposition; Hereditary Cancer Syndrome; Hereditary neoplastic syndrome. Identifiers: Orphanet 140162, MedGen C0027672, MeSH D009386, MONDO:0015356.
Parathyroid carcinoma (PRTC). Also called: CDC73-Related Parathyroid Carcinoma; Parathyroid gland carcinoma. Identifiers: Orphanet 143, MedGen C0687150, MONDO:0012004, OMIM 608266, HP:0006780.

Allele frequency attached by ClinVar (database versions not stated): gnomAD exomes below 0.00001.
gnomAD v4.1: 1 of 1,569,016 alleles (0.000064%); highest among the groups gnomAD compares: Non-Finnish European, 0.000088%; no homozygotes.

Submissions (2):

Labcorp Genetics (formerly Invitae), Labcorp
Classification: Uncertain significance for Parathyroid carcinoma. Last evaluated: 2022-02-25. Review status: criteria provided, single submitter. Criteria: Invitae Variant Classification Sherloc (09022015). Collection method: clinical testing. Allele origin: germline.
Comment: In summary, the available evidence is currently insufficient to determine the role of this variant in disease. Therefore, it has been classified as a Variant of Uncertain Significance. Algorithms developed to predict the effect of missense changes on protein structure and function are either unavailable or do not agree on the potential impact of this missense change (SIFT: "Deleterious"; PolyPhen-2: "Probably Damaging"; Align-GVGD: "Class C0"). This variant has not been reported in the literature in individuals affected with CDC73-related conditions. This variant is not present in population databases (gnomAD no frequency). This sequence change replaces tyrosine, which is neutral and polar, with cysteine, which is neutral and slightly polar, at codon 74 of the CDC73 protein (p.Tyr74Cys).

Ambry Genetics
Classification: Uncertain significance for Hereditary cancer-predisposing syndrome. Last evaluated: 2021-11-24. Review status: criteria provided, single submitter. Criteria: Ambry Variant Classification Scheme 2023. Collection method: clinical testing. Allele origin: germline.
Comment: The p.Y74C variant (also known as c.221A>G), located in coding exon 2 of the CDC73 gene, results from an A to G substitution at nucleotide position 221. The tyrosine at codon 74 is replaced by cysteine, an amino acid with highly dissimilar properties. This amino acid position is highly conserved in available vertebrate species. In addition, this alteration is predicted to be deleterious by in silico analysis. Since supporting evidence is limited at this time, the clinical significance of this alteration remains unclear.

NM_024529.5(CDC73):c.221A>G (p.Tyr74Cys)

Gene: CDC73 (cell division cycle 73; plus strand). Cytogenetic location: 1q31.2.
Variant type: single nucleotide variant.
Coding change: c.221A>G on transcript NM_024529.5 (MANE Select); coding-DNA position 221, A replaced by G.
Protein change: p.Tyr74Cys; replaces tyrosine 74 with cysteine.
Molecular consequence: missense variant.
Genome position (GRCh38, 1-based): chr1:193,125,201, A>G. VCF-style: chr1-193125201-A-G. GRCh37 (hg19) VCF-style: chr1-193094331-A-G.
Other names: short protein forms Y74C.
Identifiers: ClinVar variation 1787898 (VCV001787898.7), dbSNP rs2527289587, ClinGen allele CA343973228.